The following is an entry in ClinVar:

NM_033641.4(COL4A6):c.3074G>A (p.Arg1025Gln)

Gene: COL4A6 (collagen type IV alpha 6 chain; minus strand). Cytogenetic location: Xq22.3.
Variant type: single nucleotide variant.
Coding change: c.3074G>A on transcript NM_033641.4 (MANE Select); coding-DNA position 3074, G replaced by A.
Protein change: p.Arg1025Gln; replaces arginine 1025 with glutamine.
Molecular consequence: missense variant.
Genome position (GRCh38, 1-based): chrX:108,174,504, C>T on the plus strand (G>A on the coding strand, the complement: COL4A6 is on the minus strand). VCF-style: chrX-108174504-C-T. GRCh37 (hg19) VCF-style: chrX-107417734-C-T.
Other names: c.3125G>A, p.Arg1042Gln (NM_001287758.2); c.3074G>A, p.Arg1025Gln (NM_001287759.2, NM_001287760.2); c.3077G>A, p.Arg1026Gln (NM_001847.4); short protein forms R1026Q, R1042Q, R1025Q.
Identifiers: ClinVar variation 2155428 (VCV002155428.4), dbSNP rs765946476, ClinGen allele CA10487506.
Genomic context (GRCh38, chrX:108,174,504, plus strand): 5'-TCTCCTGGCATTCCTGGGAAACCTGTGATCCCAGAGGACCCCTTCAGGCCAGGTAAGCCC[C>T]GGATTCCCATGAAGCCAGGGGGCCCTGGCTTTCCACTAACTCCTTTGATAATGCCTGGGA-3'
Protein context (NP_378667.1, residues 1015-1035): KPGPPGFMGI[Arg1025Gln]GLPGLKGSSG

ClinVar aggregate classification (germline): Uncertain significance (1 of 4 stars; one submission).

Allele frequency attached by ClinVar (database versions not stated): ExAC 0.00001; gnomAD 0.00001; gnomAD exomes 0.00002; TOPMed 0.00003.
gnomAD v4.1: 22 of 1,209,035 alleles (0.0018%); highest among the groups gnomAD compares: East Asian, 0.0059%; 1 homozygote.

Submission:

Labcorp Genetics (formerly Invitae), Labcorp
Classification: Uncertain significance. Last evaluated: 2022-07-17. Review status: criteria provided, single submitter. Criteria: Invitae Variant Classification Sherloc (09022015). Collection method: clinical testing. Allele origin: germline.
Comment: This variant has not been reported in the literature in individuals affected with COL4A6-related conditions. In summary, the available evidence is currently insufficient to determine the role of this variant in disease. Therefore, it has been classified as a Variant of Uncertain Significance. Algorithms developed to predict the effect of missense changes on protein structure and function output the following: SIFT: "Tolerated"; PolyPhen-2: "Benign"; Align-GVGD: "Class C0". The glutamine amino acid residue is found in multiple mammalian species, which suggests that this missense change does not adversely affect protein function. This variant is present in population databases (rs765946476, gnomAD 0.008%). This sequence change replaces arginine, which is basic and polar, with glutamine, which is neutral and polar, at codon 1026 of the COL4A6 protein (p.Arg1026Gln).